The following is an entry in ClinVar:

NM_000799.4(EPO):c.348G>A (p.Glu116=)

Gene: EPO (erythropoietin; plus strand). Cytogenetic location: 7q22.1.
Variant type: single nucleotide variant.
Coding change: c.348G>A on transcript NM_000799.4 (MANE Select); coding-DNA position 348, G replaced by A.
Protein change: p.Glu116=; no amino-acid change (glutamic acid 116 retained).
Molecular consequence: synonymous variant.
Genome position (GRCh38, 1-based): chr7:100,722,765, G>A. VCF-style: chr7-100722765-G-A. GRCh37 (hg19) VCF-style: chr7-100320388-G-A.
Identifiers: ClinVar variation 3036860 (VCV003036860.2), dbSNP rs776259969, ClinGen allele CA4389530.
Genomic context (GRCh38, chr7:100,722,765, plus strand): 5'-GCTGTCGGAAGCTGTCCTGCGGGGCCAGGCCCTGTTGGTCAACTCTTCCCAGCCGTGGGA[G>A]CCCCTGCAGCTGCATGTGGATAAAGCCGTCAGTGGCCTTCGCAGCCTCACCACTCTGCTT-3'
Protein context (NP_000790.2, residues 106-126): ALLVNSSQPW[Glu116=]PLQLHVDKAV

ClinVar aggregate classification (germline): Likely benign (0 of 4 stars; one submission).

Conditions:
EPO-related disorder. Also called: EPO-related condition.

Allele frequency attached by ClinVar (database versions not stated): ExAC 0.00002; gnomAD exomes 0.00002; gnomAD 0.00003; TOPMed 0.00003.

Submission:

PreventionGenetics, part of Exact Sciences
Classification: Likely benign for EPO-related condition. Last evaluated: 2024-02-28. Review status: no assertion criteria provided. Collection method: clinical testing. Allele origin: germline.
Comment: This variant is classified as likely benign based on ACMG/AMP sequence variant interpretation guidelines (Richards et al. 2015 PMID: 25741868, with internal and published modifications).